The following is an entry in ClinVar:

NM_000219.6(KCNE1):c.304A>T (p.Ser102Cys)

Gene: KCNE1 (potassium voltage-gated channel subfamily E regulatory subunit 1; minus strand). Cytogenetic location: 21q22.12.
Variant type: single nucleotide variant.
Coding change: c.304A>T on transcript NM_000219.6 (MANE Select); coding-DNA position 304, A replaced by T.
Protein change: p.Ser102Cys; replaces serine 102 with cysteine.
Molecular consequence: missense variant.
Genome position (GRCh38, 1-based): chr21:34,449,331, T>A on the plus strand (A>T on the coding strand, the complement: KCNE1 is on the minus strand). VCF-style: chr21-34449331-T-A. GRCh37 (hg19) VCF-style: chr21-35821629-T-A.
Other names: c.304A>T, p.Ser102Cys (NM_001127668.4, NM_001127669.4, NM_001127670.4 and 4 more transcripts); short protein forms S102C.
Identifiers: ClinVar variation 3374584 (VCV003374584.2).
Genomic context (GRCh38, chr21:34,449,331, plus strand): 5'-GGTGTGTGTTGGGTTGTTCTATGGCCAGATGGTTTTCAACGACATAGCACGACCTGTAGC[T>A]CTCCAGGACCCGGGCCTGGACATAGGCCTTGTCCTTCTCTTGCCAGGCATCGGACTCGAT-3'
Protein context (NP_000210.2, residues 92-112): KAYVQARVLE[Ser102Cys]YRSCYVVENH

Conditions:
Long QT syndrome 5 (LQT5). Identifiers: Orphanet 101016, Orphanet 768, MedGen C1867904, MONDO:0013372, OMIM 613695.

Submission:

Roden Lab, Vanderbilt University Medical Center
No classification provided (evidence only). Condition: Long QT syndrome 5. Review status: no classification provided. Collection method: in vitro. Allele origin: not applicable. Functional consequence: Effect on ion channel function.
ClinVar note: "not provided" was previously submitted as the classification for the variant. However, the classification appeared to be based only on an observation of functional data so it was converted to no classification on 2025-07-30.